The following is an entry in ClinVar:

ClinVar aggregate classification (germline): Benign. Review status: criteria provided, multiple submitters, no conflicts (2 of 4 stars). 3 submissions from 3 submitters: Benign (3). Last evaluated 2026-07-01.

Allele frequency attached by ClinVar (database versions not stated): 1000 Genomes Project 0.00300; 1000 Genomes Project 30x 0.00328; gnomAD exomes 0.00668; gnomAD 0.00688 and 0.00728; TOPMed 0.00702; ExAC 0.00761; ESP Exome Variant Server 0.00763.
gnomAD v4.1: 16,886 of 1,607,656 alleles (1.1%); highest among the groups gnomAD compares: Non-Finnish European, 1.3%; 116 homozygotes.

Submissions (3):

CeGaT Center for Human Genetics Tuebingen
Classification: Benign. Last evaluated: 2026-07-01. Review status: criteria provided, single submitter. Criteria: CeGaT Center For Human Genetics Tuebingen Variant Classification Criteria Version 2. Collection method: clinical testing. Allele origin: germline. Affected: yes. Observed: 17 variant alleles.
Comment: PLXNA1: BP4, BS1, BS2

Labcorp Genetics (formerly Invitae), Labcorp
Classification: Benign. Last evaluated: 2026-01-06. Review status: criteria provided, single submitter. Criteria: Invitae Variant Classification Sherloc (09022015). Collection method: clinical testing. Allele origin: germline.

Breakthrough Genomics
Classification: Benign. Review status: criteria provided, single submitter. Criteria: ACMG Guidelines, 2015. Collection method: not provided. Allele origin: germline. Inheritance: Autosomal recessive inheritance. Affected: yes.

NM_032242.4(PLXNA1):c.4669+7G>A

Gene: PLXNA1 (plexin A1; plus strand). Cytogenetic location: 3q21.3.
Variant type: single nucleotide variant.
Coding change: c.4669+7G>A on transcript NM_032242.4 (MANE Select); 7 bases into the intron after coding-DNA position 4669, G replaced by A.
Molecular consequence: intron variant.
Genome position (GRCh38, 1-based): chr3:127,028,347, G>A. VCF-style: chr3-127028347-G-A. GRCh37 (hg19) VCF-style: chr3-126747190-G-A.
Identifiers: ClinVar variation 1653317 (VCV001653317.25), dbSNP rs73196573, ClinGen allele CA2594433.